The following is an entry in ClinVar:

ClinVar aggregate classification (germline): Uncertain significance (1 of 4 stars; one submission).

Allele frequency attached by ClinVar (database versions not stated): gnomAD 0.00001; TOPMed 0.00001.
gnomAD v4.1: 9 of 1,612,638 alleles (0.00056%); highest among the groups gnomAD compares: Non-Finnish European, 0.00076%; no homozygotes.

Submission:

GeneDx
Classification: Uncertain significance. Last evaluated: 2019-09-05. Review status: criteria provided, single submitter. Criteria: GeneDx Variant Classification Process June 2021. Collection method: clinical testing. Allele origin: germline. Affected: yes.
Comment: Not observed at a significant frequency in large population cohorts (Lek et al., 2016); In silico analysis, which includes protein predictors and evolutionary conservation, supports a deleterious effect; Has not been previously published as pathogenic or benign to our knowledge

NM_001164508.2(NEB):c.17878G>T (p.Gly5960Cys)

Gene: NEB (nebulin; minus strand). Cytogenetic location: 2q23.3.
Variant type: single nucleotide variant.
Coding change: c.17878G>T on transcript NM_001164508.2 (MANE Select); coding-DNA position 17878, G replaced by T.
Protein change: p.Gly5960Cys; replaces glycine 5960 with cysteine.
Molecular consequence: missense variant.
Genome position (GRCh38, 1-based): chr2:151,567,446, C>A on the plus strand (G>T on the coding strand, the complement: NEB is on the minus strand). VCF-style: chr2-151567446-C-A. GRCh37 (hg19) VCF-style: chr2-152423960-C-A.
Other names: c.17878G>T, p.Gly5960Cys (NM_001164507.2, NM_001271208.2); c.12775G>T, p.Gly4259Cys (NM_004543.5); short protein forms G4259C, G5960C.
Identifiers: ClinVar variation 1312104 (VCV001312104.2), dbSNP rs1055815976, ClinGen allele CA57660531.
Genomic context (GRCh38, chr2:151,567,446, plus strand): 5'-CATGCTCAAACCAAACCAGCTTAGGATCATCTCTCATCGTCGGGACACCAACATAATGAC[C>A]TTTTTGCTTCACATGTTCAGCTTTGTATTTCAGCTGGCGAGAAGAGGAATATAAATTCCA-3'
Protein context (NP_001157980.2, residues 5950-5970): KYKAEHVKQK[Gly5960Cys]HYVGVPTMRD